The following is an entry in ClinVar:

NM_001005273.3(CHD3):c.1920-4A>C

Gene: CHD3 (chromodomain helicase DNA binding protein 3; plus strand). Cytogenetic location: 17p13.1.
Variant type: single nucleotide variant.
Coding change: c.1920-4A>C on transcript NM_001005273.3 (MANE Select); 4 bases into the intron before coding-DNA position 1920, A replaced by C.
Molecular consequence: intron variant.
Genome position (GRCh38, 1-based): chr17:7,897,967, A>C. VCF-style: chr17-7897967-A-C. GRCh37 (hg19) VCF-style: chr17-7801285-A-C.
Other names: c.2097-4A>C (NM_001437504.1, NM_001005271.3); c.2085-4A>C (NM_001437509.1, NM_001437507.1, NM_001437508.1); c.1920-4A>C (NM_005852.4).
Identifiers: ClinVar variation 4279538 (VCV004279538.1).
Genomic context (GRCh38, chr17:7,897,967, plus strand): 5'-CTTTCTGTTTGTGATCTGTGCAATATTTTCCTCCTGCTCCTCCCCATGGCCTCCTGCCCC[A>C]CAGTGTGGATAAAAAGGGGAATTACCACTATCTAGTAAAATGGAGGGACTTACCATATGA-3'

ClinVar aggregate classification (germline): Uncertain significance (1 of 4 stars; one submission).

Conditions:
Snijders Blok-Campeau syndrome. Also called: INTELLECTUAL DEVELOPMENTAL DISORDER WITH MACROCEPHALY, SPEECH DELAY, AND DYSMORPHIC FACIES. Identifiers: Orphanet 599082, MedGen C4748701, MONDO:0032600, OMIM 618205.

Submission:

Department of Paediatrics at Addenbrookes, Cambridge University Hospitals NHS Foundation Trust (UK)
Classification: Uncertain significance for Snijders Blok-Campeau syndrome. Last evaluated: 2025-05-27. Review status: criteria provided, single submitter. Criteria: Durkie Uk Practice Guidelines For Variant Classification V12 2024 (1). Collection method: clinical testing. Allele origin: unknown.
Comment: PS2_Moderate; PM2_Moderate; BP4_Supporting